The following is an entry in ClinVar:

ClinVar aggregate classification (germline): Uncertain significance (1 of 4 stars; one submission).

gnomAD v4.1: 71 of 1,601,456 alleles (0.0044%); highest among the groups gnomAD compares: Non-Finnish European, 0.0053%; no homozygotes.

Submission:

Women's Health and Genetics/Laboratory Corporation of America, LabCorp
Classification: Uncertain significance. Last evaluated: 2025-10-09. Review status: criteria provided, single submitter. Criteria: LabCorp Variant Classification Summary - May 2015. Collection method: clinical testing. Allele origin: germline.
Comment: Variant summary: CD96 c.1297C>T (p.Pro433Ser) results in a non-conservative amino acid change in the encoded protein sequence. Algorithms developed to predict the effect of missense changes on protein structure and function are either unavailable or do not agree on the potential impact of this missense change. Consensus agreement among computation tools predict no significant impact on normal splicing. However, these predictions have yet to be confirmed by functional studies. The variant allele was found at a frequency of 2.4e-05 in 251302 control chromosomes. The available data on variant occurrences in the general population are insufficient to allow any conclusion about variant significance. To our knowledge, no occurrence of c.1297C>T in individuals affected with CD96-related conditions and no experimental evidence demonstrating its impact on protein function have been reported. No submitters have cited clinical-significance assessments for this variant to ClinVar. Based on the evidence outlined above, the variant was classified as uncertain significance.

NM_005816.5(CD96):c.1249C>T (p.Pro417Ser)

Gene: CD96 (CD96 molecule; plus strand). Cytogenetic location: 3q13.2.
Variant type: single nucleotide variant.
Coding change: c.1249C>T on transcript NM_005816.5 (MANE Select); coding-DNA position 1249, C replaced by T.
Protein change: p.Pro417Ser; replaces proline 417 with serine.
Molecular consequence: missense variant. On other transcripts: non-coding transcript variant (1).
Genome position (GRCh38, 1-based): chr3:111,623,822, C>T. VCF-style: chr3-111623822-C-T. GRCh37 (hg19) VCF-style: chr3-111342669-C-T.
Other names: c.1249C>T, p.Pro417Ser (NM_001410800.1); c.1297C>T, p.Pro433Ser (NM_198196.3); short protein forms P417S, P433S.
Identifiers: ClinVar variation 4687427 (VCV004687427.1).
Genomic context (GRCh38, chr3:111,623,822, plus strand): 5'-GCTACATCTTCAGTGACCCTTGTAGATGTGAGTGCCTTGAGGCCAAACACCACTCCTCAA[C>T]GTGAGTTCAGCAAAGTTTTCCTACATGATTGGAAAGAGACAACACACTCACAAGTTTTAC-3'
Protein context (NP_005807.1, residues 407-427): SALRPNTTPQ[Pro417Ser]SNSSMTTRGF